The following is an entry in ClinVar:

NM_000388.4(CASR):c.446T>C (p.Val149Ala)

Gene: CASR (calcium sensing receptor; plus strand). Cytogenetic location: 3q21.1.
Variant type: single nucleotide variant.
Coding change: c.446T>C on transcript NM_000388.4 (MANE Select); coding-DNA position 446, T replaced by C.
Protein change: p.Val149Ala; replaces valine 149 with alanine.
Molecular consequence: missense variant.
Genome position (GRCh38, 1-based): chr3:122,257,341, T>C. VCF-style: chr3-122257341-T-C. GRCh37 (hg19) VCF-style: chr3-121976188-T-C.
Other names: c.446T>C, p.Val149Ala (NM_001178065.2); short protein forms V149A.
Identifiers: ClinVar variation 2948402 (VCV002948402.3), dbSNP rs2473215193, ClinGen allele CA354362913.

ClinVar aggregate classification (germline): Uncertain significance (1 of 4 stars; one submission).

Conditions:
Autosomal dominant hypocalcemia 1 (HYPOC1). Also called: HYPOCALCEMIA, FAMILIAL. Identifiers: MedGen C3715128, MONDO:0011013, OMIM 601198.
Familial hypocalciuric hypercalcemia (FHH). Also called: Familial benign hypercalcemia. Identifiers: Orphanet 405, MedGen C1809471, MONDO:0018458.

Submission:

Labcorp Genetics (formerly Invitae), Labcorp
Classification: Uncertain significance for Familial hypocalciuric hypercalcemia; Autosomal dominant hypocalcemia 1. Last evaluated: 2023-05-31. Review status: criteria provided, single submitter. Criteria: Invitae Variant Classification Sherloc (09022015). Collection method: clinical testing. Allele origin: germline.
Comment: In summary, the available evidence is currently insufficient to determine the role of this variant in disease. Therefore, it has been classified as a Variant of Uncertain Significance. An algorithm developed to predict the effect of missense changes on protein structure and function (PolyPhen-2) suggests that this variant is likely to be tolerated. This variant has not been reported in the literature in individuals affected with CASR-related conditions. This variant is not present in population databases (gnomAD no frequency). This sequence change replaces valine, which is neutral and non-polar, with alanine, which is neutral and non-polar, at codon 149 of the CASR protein (p.Val149Ala).